The following is an entry in ClinVar:

NM_024675.4(PALB2):c.1317del (p.Phe440fs)

Gene: PALB2 (partner and localizer of BRCA2; minus strand). Cytogenetic location: 16p12.2.
Variant type: Deletion.
Coding change: c.1317del on transcript NM_024675.4 (MANE Select); coding-DNA position 1317, one base deleted (G; older notation c.1317delG).
Protein change: p.Phe440fs; shifts the reading frame from phenylalanine 440.
Molecular consequence: frameshift variant.
Genome position (GRCh38, 1-based): chr16:23,635,229, C deleted on the plus strand (G on the coding strand, the reverse complement: PALB2 is on the minus strand); the first of 3 consecutive C bases (chr16:23,635,229-23,635,231); deleting any one gives the same sequence. VCF-style (leftmost placement, unchanged base first): chr16-23635228-AC-A. GRCh37 (hg19) VCF-style: chr16-23646549-AC-A.
Other names: c.1317delG (NM_024675.3).
Identifiers: ClinVar variation 126598 (VCV000126598.60), dbSNP rs515726067, ClinGen allele CA294076.

ClinVar aggregate classification (germline): Pathogenic/Likely pathogenic. Review status: criteria provided, multiple submitters, no conflicts (2 of 4 stars). 18 submissions from 18 submitters: Pathogenic (13); Likely pathogenic (2). 3 of the submissions do not count toward it. Last evaluated 2026-08-24.

Conditions:
PALB2-related cancer predisposition. Identifiers: MedGen CN377761, MONDO:0700272.
Inherited breast cancer and ovarian cancer.
PALB2-related disorder. Also called: PALB2-related disorders; PALB2-related condition.
Breast-ovarian cancer, familial, susceptibility to, 5 (BROVCA5). Identifiers: MedGen C5830615, MONDO:0957530, OMIM 620442.
Hereditary cancer-predisposing syndrome. Also called: Neoplastic Syndromes, Hereditary; Hereditary Cancer Syndrome; Tumor predisposition; Hereditary neoplastic syndrome. Identifiers: Orphanet 140162, MedGen C0027672, MeSH D009386, MONDO:0015356.
Hereditary breast ovarian cancer syndrome. Also called: Hereditary breast and ovarian cancer syndrome; Breast and ovarian cancer; BRCA1- and BRCA2-Associated Hereditary Breast and Ovarian Cancer; Hereditary breast and ovarian cancer; Hereditary breast and ovarian cancer syndrome (HBOC); Hereditary breast and/or ovarian cancer syndrome. Identifiers: Orphanet 145, MedGen C0677776, MeSH D061325, MONDO:0003582. Disease mechanism: loss of function.
Familial cancer of breast. Also called: hereditary breast carcinoma; BREAST CANCER, FAMILIAL; Hereditary breast cancer. Identifiers: Orphanet 227535, MedGen C0346153, MONDO:0016419, OMIM 114480. Disease mechanism: loss of function.

Submissions 1 to 12 of 18:

PreventionGenetics, part of Exact Sciences
Classification: Pathogenic for PALB2-related condition. Last evaluated: 2026-08-24. Review status: criteria provided, single submitter. Criteria: ACMG Guidelines, 2015. Collection method: clinical testing. Allele origin: germline.
Comment: The PALB2 c.1317delG variant is predicted to result in a frameshift and premature protein termination (p.Phe440Leufs*12). This variant has been reported as a breast cancer susceptibility variant in multiple studies (reported as c.1517delG, Balia et al. 2010. PubMed ID: 20852946; Bogdanova et al. 2010. PubMed ID: 21165770; reported as c.1317delG:p.G439fs in Table S3, Sun et al. 2017. PubMed ID: 28724667; Table S5, Decker et al. 2017. PubMed ID: 28779002; Supp. Table 2, Zhou et al. 2020. PubMed ID: 32339256). This variant is reported in 0.00089% of alleles in individuals of European (Non-Finnish) descent in gnomAD and is interpreted as pathogenic/likely pathogenic in ClinVar (Variation ID: 126598). Frameshift variants in PALB2 are expected to be pathogenic. This variant is interpreted as pathogenic.

Labcorp Genetics (formerly Invitae), Labcorp
Classification: Pathogenic for Familial cancer of breast. Last evaluated: 2025-12-20. Review status: criteria provided, single submitter. Criteria: Invitae Variant Classification Sherloc (09022015). Collection method: clinical testing. Allele origin: germline.
Comment: This sequence change creates a premature translational stop signal (p.Phe440Leufs*12) in the PALB2 gene. It is expected to result in an absent or disrupted protein product. Loss-of-function variants in PALB2 are known to be pathogenic (PMID: 17200668, 17200671, 17200672, 24136930, 25099575). This variant is present in population databases (no rsID available, gnomAD 0.0009%). This premature translational stop signal has been observed in individual(s) with breast cancer (PMID: 20852946, 25186627, 25619955, 26681312). This variant is also known as 1517delG. ClinVar contains an entry for this variant (Variation ID: 126598). For these reasons, this variant has been classified as Pathogenic.

Color Diagnostics, LLC DBA Color Health
Classification: Pathogenic for Hereditary cancer-predisposing syndrome. Last evaluated: 2025-11-03. Review status: criteria provided, single submitter. Criteria: ACMG Guidelines, 2015. Collection method: clinical testing. Allele origin: germline.
Comment: This variant deletes 1 nucleotide in exon 4 of the PALB2 gene, creating a frameshift and premature translation stop signal. This variant is expected to result in an absent or non-functional protein product. This variant has been reported in at least 10 individuals affected with breast cancer (PMID: 20852946, 25186627, 25619955, 26681312, 28724667, 31768816, 33471991Leiden Open Variation Database DB-ID PALB2_010070Color internal data). This variant has been identified in 1/249846 chromosomes in the general population by the Genome Aggregation Database (gnomAD). Loss of PALB2 function is a known mechanism of disease. Based on the available evidence, this variant is classified as Pathogenic.

Ambry Genetics
Classification: Pathogenic for Hereditary cancer-predisposing syndrome. Last evaluated: 2025-06-26. Review status: criteria provided, single submitter. Criteria: Ambry Variant Classification Scheme 2023. Collection method: clinical testing. Allele origin: germline.
Comment: The c.1317delG pathogenic mutation, located in coding exon 4 of the PALB2 gene, results from a deletion of one nucleotide at position 1317, causing a translational frameshift with a predicted alternate stop codon (p.F440Lfs*12). This mutation has been reported in multiple families with histories of early onset breast cancer and melanoma (Balia C et al. Fam. Cancer. 2010 Dec;9:531-6; Sokolenko AP et al. Cancer Lett. 2015 Apr;359:259-61) as well as in several large cohort studies of breast cancer patients undergoing multigene panel testing (Decker B et al. J. Med. Genet. 2017 11;54(11):732-741; Sun J et al. Clin. Cancer Res. 2017 Oct;23(20):6113-6119; Susswein LR et al. Genet. Med. 2016 08;18(8):823-32; Tung N et al. Cancer 2015 Jan;121(1):25-33) . Of note, this alteration is also designated as c.1517delG by Balia et al. This variant is considered to be rare based on population cohorts in the Genome Aggregation Database (gnomAD). In addition to the clinical information presented in the literature, this alteration is expected to result in loss of function by premature protein truncation or nonsense-mediated mRNA decay. As such, this alteration is interpreted as a disease-causing mutation.

Cambridge Genomics Laboratory, East Genomic Laboratory Hub, NHS Genomic Medicine Service
Classification: Likely pathogenic for Inherited breast cancer and ovarian cancer. Last evaluated: 2025-02-07. Review status: criteria provided, single submitter. Criteria: ACGS Best Practice Guidelines for Variant Classification in Rare Disease 2020. Collection method: clinical testing. Allele origin: germline. Affected: yes.
Comment: PVS1,PM5_Supporting

Baylor Genetics
Classification: Pathogenic for Familial cancer of breast. Last evaluated: 2023-12-27. Review status: criteria provided, single submitter. Criteria: ACMG Guidelines, 2015. Collection method: clinical testing. Allele origin: unknown.

Quest Diagnostics Nichols Institute San Juan Capistrano
Classification: Pathogenic. Last evaluated: 2023-10-12. Review status: criteria provided, single submitter. Criteria: Quest Diagnostics criteria. Collection method: clinical testing. Allele origin: unknown.
Comment: The PALB2 c.1317del (p.(Phe440Leufs*12) variant alters the translational reading frame of the PALB2 mRNA and causes the premature termination of PALB2 protein synthesis. This variant has been reported in the published literature in individuals with breast cancer (PMID: 32997802 (2021), 32339256 (2020), 28779002 (2017), 28724667 (2017), 25619955 (2015)) and ovarian cancer (PMID: 32546565 (2021)). This variant has also been reported in unaffected individuals (PMID: 29922827 (2018), 20852946 (2010)). Based on the available information, this variant is classified as pathogenic.

Myriad Genetics, Inc.
Classification: Pathogenic for Familial cancer of breast. Last evaluated: 2023-04-03. Review status: criteria provided, single submitter. Criteria: Myriad Autosomal Dominant, Autosomal Recessive and X-Linked Classification Criteria (2023). Collection method: clinical testing. Allele origin: unknown.
Comment: This variant is considered pathogenic. This variant creates a frameshift predicted to result in premature protein truncation.

Mayo Clinic Laboratories, Mayo Clinic
Classification: Pathogenic. Last evaluated: 2023-02-08. Review status: criteria provided, single submitter. Criteria: ACMG Guidelines, 2015. Collection method: clinical testing. Allele origin: germline. Observed: 1 variant allele.
Comment: PP5, PM2, PVS1

Sema4
Classification: Pathogenic for Hereditary cancer-predisposing syndrome. Last evaluated: 2022-02-22. Review status: criteria provided, single submitter. Criteria: Sema4 Curation Guidelines. Collection method: curation. Allele origin: germline.
Comment: The PALB2 c.1317delG (p.F440LfsX12) variant has been reported in heterozygosity in numurous individuals with breast cancer (PMID: 20852946, 25186627, 28724667, 28779002, 31263054, 32339256, 32997802, 33471991, among others). This variant It is also known as c.1315delG and c.1517delG in the literature. This variant causes a frameshift at amino acid 440 that results in premature termination 12 amino acids downstream. At this location, nonsense-mediated decay is predicted to occur, resulting in a loss of gene function. Loss of function variants in PALB2 are known to be pathogenic (PMID: 17200668). This variant was observed in 1/112976 chromosomes in the Non-Finnish European population according to the Genome Aggregation Database (PMID: 32461654). This variant has been reported in ClinVar (Variation ID: 126598). Based on the current evidence available, this variant is interpreted as pathogenic.

Department of Pathology and Laboratory Medicine, Sinai Health System
Classification: Pathogenic for PALB2-related cancer predisposition. Last evaluated: 2022-02-16. Review status: criteria provided, single submitter. Criteria: ACMG Guidelines, 2015. Collection method: clinical testing. Allele origin: germline. Affected: no.

GeneDx
Classification: Pathogenic. Last evaluated: 2021-12-14. Review status: criteria provided, single submitter. Criteria: GeneDx Variant Classification Process June 2021. Collection method: clinical testing. Allele origin: germline. Affected: yes.
Comment: Frameshift variant predicted to result in protein truncation or nonsense mediated decay in a gene for which loss-of-function is a known mechanism of disease; Not observed at significant frequency in large population cohorts (Lek 2016); This variant is associated with the following publications: (PMID: 28724667, 28779002, 23935381, 21165770, 25619955, 25186627, 20852946, 24870022, 27631815, 26681312, 28152038, 31263054, 32339256)